The following is an entry in ClinVar:

NM_025257.3(SLC44A4):c.1390G>A (p.Val464Ile)

Gene: SLC44A4 (solute carrier family 44 member 4; minus strand). Cytogenetic location: 6p21.33.
Variant type: single nucleotide variant.
Coding change: c.1390G>A on transcript NM_025257.3 (MANE Select); coding-DNA position 1390, G replaced by A.
Protein change: p.Val464Ile; replaces valine 464 with isoleucine.
Molecular consequence: missense variant.
Genome position (GRCh38, 1-based): chr6:31,865,970, C>T on the plus strand (G>A on the coding strand, the complement: SLC44A4 is on the minus strand). VCF-style: chr6-31865970-C-T. GRCh37 (hg19) VCF-style: chr6-31833747-C-T.
Other names: c.1264G>A, p.Val422Ile (NM_001178044.2); c.1162G>A, p.Val388Ile (NM_001178045.2); short protein forms V464I, V388I, V422I.
Identifiers: ClinVar variation 1428357 (VCV001428357.6), dbSNP rs149591801, ClinGen allele CA3725405.

ClinVar aggregate classification (germline): Uncertain significance (1 of 4 stars; one submission).

Allele frequency attached by ClinVar (database versions not stated): ExAC 0.00013; gnomAD exomes 0.00014 and 0.00015; ESP Exome Variant Server 0.00015; gnomAD 0.00016 and 0.00021; TOPMed 0.00016; 1000 Genomes Project 30x 0.00094; 1000 Genomes Project 0.00120.

Submission:

Labcorp Genetics (formerly Invitae), Labcorp
Classification: Uncertain significance. Last evaluated: 2024-10-30. Review status: criteria provided, single submitter. Criteria: Invitae Variant Classification Sherloc (09022015). Collection method: clinical testing. Allele origin: germline.
Comment: This sequence change replaces valine, which is neutral and non-polar, with isoleucine, which is neutral and non-polar, at codon 464 of the SLC44A4 protein (p.Val464Ile). This variant is present in population databases (rs149591801, gnomAD 0.04%), and has an allele count higher than expected for a pathogenic variant. This variant has not been reported in the literature in individuals affected with SLC44A4-related conditions. ClinVar contains an entry for this variant (Variation ID: 1428357). Invitae Evidence Modeling of protein sequence and biophysical properties (such as structural, functional, and spatial information, amino acid conservation, physicochemical variation, residue mobility, and thermodynamic stability) indicates that this missense variant is not expected to disrupt SLC44A4 protein function with a negative predictive value of 80%. In summary, the available evidence is currently insufficient to determine the role of this variant in disease. Therefore, it has been classified as a Variant of Uncertain Significance.